The following is an entry in ClinVar:

NM_001374828.1(ARID1B):c.6963G>A (p.Ala2321=)

Gene: ARID1B (AT-rich interaction domain 1B; plus strand). Cytogenetic location: 6q25.3.
Variant type: single nucleotide variant.
Coding change: c.6963G>A on transcript NM_001374828.1 (MANE Select); coding-DNA position 6963, G replaced by A.
Protein change: p.Ala2321=; no amino-acid change (alanine 2321 retained).
Molecular consequence: synonymous variant.
Genome position (GRCh38, 1-based): chr6:157,207,735, G>A. VCF-style: chr6-157207735-G-A. GRCh37 (hg19) VCF-style: chr6-157528869-G-A.
Other names: c.6594G>A, p.Ala2198= (NM_020732.3); c.4464G>A, p.Ala1488= (NM_001363725.2); c.6843G>A, p.Ala2281= (NM_001371656.1, NM_001374820.1); c.6804G>A, p.Ala2268= (NM_017519.3).
Identifiers: ClinVar variation 210308 (VCV000210308.42), dbSNP rs754242891, ClinGen allele CA207495.

ClinVar aggregate classification (germline): Conflicting classifications of pathogenicity. Review status: criteria provided, conflicting classifications (1 of 4 stars). 7 submissions from 7 submitters: Uncertain significance (1); Benign (3); Likely benign (3). Last evaluated 2026-01-22.

Conditions:
Inborn genetic diseases. Identifiers: MedGen C0950123, MeSH D030342.
Coffin-Siris syndrome 1 (CSS1). Also called: ARID1B-Related Coffin-Siris Syndrome; Mental retardation, autosomal dominant 12. Identifiers: Orphanet 1465, MedGen C3281201, MONDO:0007617, OMIM 135900. Disease mechanism: gain of function.

Allele frequency attached by ClinVar (database versions not stated): gnomAD 0.00009; ExAC 0.00013; TOPMed 0.00014; gnomAD exomes 0.00025.
gnomAD v4.1: 143 of 1,587,572 alleles (0.009%); highest among the groups gnomAD compares: Admixed American, 0.1%; 1 homozygote.

Submissions (7):

Labcorp Genetics (formerly Invitae), Labcorp
Classification: Benign. Last evaluated: 2026-01-22. Review status: criteria provided, single submitter. Criteria: Invitae Variant Classification Sherloc (09022015). Collection method: clinical testing. Allele origin: germline.

Blueprint Genetics
Classification: Likely benign. Last evaluated: 2024-11-07. Review status: criteria provided, single submitter. Criteria: ACMG Guidelines, 2015. Collection method: clinical testing. Allele origin: germline.

CeGaT Center for Human Genetics Tuebingen
Classification: Benign. Last evaluated: 2022-09-01. Review status: criteria provided, single submitter. Criteria: CeGaT Center For Human Genetics Tuebingen Variant Classification Criteria Version 2. Collection method: clinical testing. Allele origin: germline. Affected: yes. Observed: 1 variant allele.
Comment: ARID1B: BS1, BS2

GeneDx
Classification: Benign. Last evaluated: 2021-08-09. Review status: criteria provided, single submitter. Criteria: GeneDx Variant Classification Process June 2021. Collection method: clinical testing. Allele origin: germline. Affected: yes.

Genome-Nilou Lab
Classification: Likely benign for Coffin-Siris syndrome 1. Last evaluated: 2021-07-15. Review status: criteria provided, single submitter. Criteria: ACMG Guidelines, 2015. Collection method: clinical testing. Allele origin: germline. Affected: no.

Ambry Genetics
Classification: Likely benign for Inborn genetic diseases. Last evaluated: 2017-01-17. Review status: criteria provided, single submitter. Criteria: Ambry Variant Classification Scheme 2023. Collection method: clinical testing. Allele origin: germline.

Genetic Services Laboratory, University of Chicago
Classification: Uncertain significance. Last evaluated: 2015-02-10. Review status: criteria provided, single submitter. Criteria: ACMG Guidelines, 2015. Collection method: clinical testing. Allele origin: germline.